The following is an entry in ClinVar:

ClinVar aggregate classification (germline): Uncertain significance (1 of 4 stars; one submission).

Submission:

CeGaT Center for Human Genetics Tuebingen
Classification: Uncertain significance. Last evaluated: 2024-03-01. Review status: criteria provided, single submitter. Criteria: CeGaT Center For Human Genetics Tuebingen Variant Classification Criteria Version 2. Collection method: clinical testing. Allele origin: germline. Affected: yes. Observed: 1 variant allele.
Comment: ANK3: PM2, BP4

NM_020987.5(ANK3):c.11804A>G (p.Gln3935Arg)

Gene: ANK3 (ankyrin 3; minus strand). Cytogenetic location: 10q21.2.
Variant type: single nucleotide variant.
Coding change: c.11804A>G on transcript NM_020987.5 (MANE Select); coding-DNA position 11804, A replaced by G.
Protein change: p.Gln3935Arg; replaces glutamine 3935 with arginine.
Molecular consequence: missense variant. On other transcripts: intron variant (4).
Genome position (GRCh38, 1-based): chr10:60,069,077, T>C on the plus strand (A>G on the coding strand, the complement: ANK3 is on the minus strand). VCF-style: chr10-60069077-T-C. GRCh37 (hg19) VCF-style: chr10-61828835-T-C.
Other names: c.4388-1068A>G (NM_001204403.2); c.4409-1068A>G (NM_001204404.2); c.4406-1068A>G (NM_001320874.2); c.1808-1068A>G (NM_001149.4); short protein forms Q3935R.
Identifiers: ClinVar variation 3067266 (VCV003067266.21), dbSNP rs2492510180, ClinGen allele CA376995915.